The following is an entry in ClinVar:

NM_000077.5(CDKN2A):c.117C>A (p.Asn39Lys)

Gene: CDKN2A (cyclin dependent kinase inhibitor 2A; minus strand). Cytogenetic location: 9p21.3.
Variant type: single nucleotide variant.
Coding change: c.117C>A on transcript NM_000077.5; coding-DNA position 117, C replaced by A.
Protein change: p.Asn39Lys; replaces asparagine 39 with lysine.
Molecular consequence: missense variant (on NM_000077.6). On other transcripts: intron variant (2).
Genome position (GRCh38, 1-based): chr9:21,974,711, G>T on the plus strand (C>A on the coding strand, the complement: CDKN2A is on the minus strand). VCF-style: chr9-21974711-G-T. GRCh37 (hg19) VCF-style: chr9-21974710-G-T.
Other names: c.117C>A, p.Asn39Lys (NM_000077.6, NM_001195132.2, NM_058197.5); c.-3-3503C>A (NM_001363763.2); c.194-3503C>A (NM_058195.4); short protein forms N39K.
Identifiers: ClinVar variation 220249 (VCV000220249.9), dbSNP rs864622439, ClinGen allele CA348657.

ClinVar aggregate classification (germline): Uncertain significance. Review status: criteria provided, multiple submitters, no conflicts (2 of 4 stars). 4 submissions from 4 submitters: Uncertain significance (4). Last evaluated 2024-06-14.

Conditions:
Hereditary cancer-predisposing syndrome. Also called: Tumor predisposition; Neoplastic Syndromes, Hereditary; Hereditary Cancer Syndrome; Hereditary neoplastic syndrome. Identifiers: Orphanet 140162, MedGen C0027672, MeSH D009386, MONDO:0015356.
Familial melanoma. Also called: Hereditary melanoma; Hereditary cutaneous melanoma. Identifiers: Orphanet 618, MedGen C1512419, MONDO:0018961.

Allele frequency attached by ClinVar (database versions not stated): gnomAD exomes below 0.00001.
gnomAD v4.1: 1 of 1,612,250 alleles (0.000062%); highest among the groups gnomAD compares: South Asian, 0.0011%; no homozygotes.

Submissions (4):

Blueprint Genetics
Classification: Uncertain significance. Last evaluated: 2024-06-14. Review status: criteria provided, single submitter. Criteria: ACMG Guidelines, 2015. Collection method: clinical testing. Allele origin: germline.

Color Diagnostics, LLC DBA Color Health
Classification: Uncertain significance for Hereditary cancer-predisposing syndrome. Last evaluated: 2023-08-15. Review status: criteria provided, single submitter. Criteria: ACMG Guidelines, 2015. Collection method: clinical testing. Allele origin: germline.
Comment: The CDKN2A locus encodes two different gene products, p16INK4a and p14ARF. This missense variant replaces asparagine with lysine at codon 39 of the CDKN2A (p16INK4A) protein. Computational prediction suggests that this variant may not impact protein structure and function (internally defined REVEL score threshold <= 0.5, PMID: 27666373). To our knowledge, functional studies have not been reported for this variant. This variant has not been reported in individuals affected with CDKN2A-related disorders in the literature. This variant has not been identified in the general population by the Genome Aggregation Database (gnomAD). The available evidence is insufficient to determine the role of this variant in disease conclusively. Therefore, this variant is classified as a Variant of Uncertain Significance.

Ambry Genetics
Classification: Uncertain significance for Hereditary cancer-predisposing syndrome. Last evaluated: 2023-04-26. Review status: criteria provided, single submitter. Criteria: Ambry Variant Classification Scheme 2023. Collection method: clinical testing. Allele origin: germline.
Comment: The p.N39K variant (also known as c.117C>A), located in coding exon 1 of the CDKN2A gene, results from a C to A substitution at nucleotide position 117. The asparagine at codon 39 is replaced by lysine, an amino acid with similar properties. This amino acid position is not well conserved in available vertebrate species. In addition, this alteration is predicted to be tolerated by in silico analysis. Since supporting evidence is limited at this time, the clinical significance of this alteration remains unclear.

Labcorp Genetics (formerly Invitae), Labcorp
Classification: Uncertain significance for Familial melanoma. Last evaluated: 2022-04-08. Review status: criteria provided, single submitter. Criteria: Invitae Variant Classification Sherloc (09022015). Collection method: clinical testing. Allele origin: germline.
Comment: This sequence change replaces asparagine, which is neutral and polar, with lysine, which is basic and polar, at codon 39 of the CDKN2A (p16INK4a) protein (p.Asn39Lys). This variant is not present in population databases (gnomAD no frequency). This variant has not been reported in the literature in individuals affected with CDKN2A (p16INK4a)-related conditions. ClinVar contains an entry for this variant (Variation ID: 220249). Algorithms developed to predict the effect of missense changes on protein structure and function are either unavailable or do not agree on the potential impact of this missense change (SIFT: "Deleterious"; PolyPhen-2: "Probably Damaging"; Align-GVGD: "Class C0"). In summary, the available evidence is currently insufficient to determine the role of this variant in disease. Therefore, it has been classified as a Variant of Uncertain Significance.